The following is an entry in ClinVar:

ClinVar aggregate classification (germline): Uncertain significance (1 of 4 stars; one submission).

Conditions:
Bethlem myopathy 1A. Also called: Bethlem Muscular Dystrophy; MYOPATHY, BENIGN CONGENITAL, WITH CONTRACTURES; Bethlem myopathy 1. Identifiers: Orphanet 610, MedGen CN029274, MONDO:0024530, OMIM 158810.

Allele frequency attached by ClinVar (database versions not stated): gnomAD exomes below 0.00001.
gnomAD v4.1: 1 of 1,610,792 alleles (0.000062%); highest among the groups gnomAD compares: African/African-American, 0.0013%; no homozygotes.

Submission:

Labcorp Genetics (formerly Invitae), Labcorp
Classification: Uncertain significance for Bethlem myopathy 1A. Last evaluated: 2019-06-23. Review status: criteria provided, single submitter. Criteria: Invitae Variant Classification Sherloc (09022015). Collection method: clinical testing. Allele origin: germline.
Comment: In summary, the available evidence is currently insufficient to determine the role of this variant in disease. Therefore, it has been classified as a Variant of Uncertain Significance. Algorithms developed to predict the effect of missense changes on protein structure and function are either unavailable or do not agree on the potential impact of this missense change (SIFT: "Tolerated"; PolyPhen-2: "Not Available"; Align-GVGD: "Class C0"). This variant has not been reported in the literature in individuals with COL6A3-related conditions. This variant is not present in population databases (ExAC no frequency). This sequence change replaces alanine with valine at codon 2406 of the COL6A3 protein (p.Ala2406Val). The alanine residue is highly conserved and there is a small physicochemical difference between alanine and valine.

NM_004369.4(COL6A3):c.7217C>T (p.Ala2406Val)

Gene: COL6A3 (collagen type VI alpha 3 chain; minus strand). Cytogenetic location: 2q37.3.
Variant type: single nucleotide variant.
Coding change: c.7217C>T on transcript NM_004369.4 (MANE Select); coding-DNA position 7217, C replaced by T.
Protein change: p.Ala2406Val; replaces alanine 2406 with valine.
Molecular consequence: missense variant.
Genome position (GRCh38, 1-based): chr2:237,344,801, G>A on the plus strand (C>T on the coding strand, the complement: COL6A3 is on the minus strand). VCF-style: chr2-237344801-G-A. GRCh37 (hg19) VCF-style: chr2-238253444-G-A.
Other names: c.5396C>T, p.Ala1799Val (NM_057166.5); c.6599C>T, p.Ala2200Val (NM_057167.4); short protein forms A1799V, A2200V, A2406V.
Identifiers: ClinVar variation 945214 (VCV000945214.10), dbSNP rs2077064946, ClinGen allele CA351204577.